The following is an entry in ClinVar:

NM_006158.5(NEFL):c.194T>G (p.Met65Arg)

Gene: NEFL (neurofilament light chain; minus strand). Cytogenetic location: 8p21.2.
Variant type: single nucleotide variant.
Coding change: c.194T>G on transcript NM_006158.5 (MANE Select); coding-DNA position 194, T replaced by G.
Protein change: p.Met65Arg; replaces methionine 65 with arginine.
Molecular consequence: missense variant.
Genome position (GRCh38, 1-based): chr8:24,956,322, A>C on the plus strand (T>G on the coding strand, the complement: NEFL is on the minus strand). VCF-style: chr8-24956322-A-C. GRCh37 (hg19) VCF-style: chr8-24813836-A-C.
Other names: short protein forms M65R.
Identifiers: ClinVar variation 2983213 (VCV002983213.3), dbSNP rs975974165, ClinGen allele CA370623234.

ClinVar aggregate classification (germline): Uncertain significance (1 of 4 stars; one submission).

Conditions:
Charcot-Marie-Tooth disease type 2E (CMT2E). Also called: CHARCOT-MARIE-TOOTH NEUROPATHY, TYPE 2E; CHARCOT-MARIE-TOOTH DISEASE, AXONAL, TYPE 2E. Identifiers: Orphanet 99939, MedGen C1843225, MONDO:0011894, OMIM 607684.

Submission:

Labcorp Genetics (formerly Invitae), Labcorp
Classification: Uncertain significance for Charcot-Marie-Tooth disease type 2E. Last evaluated: 2023-08-31. Review status: criteria provided, single submitter. Criteria: Invitae Variant Classification Sherloc (09022015). Collection method: clinical testing. Allele origin: germline.
Comment: This sequence change replaces methionine, which is neutral and non-polar, with arginine, which is basic and polar, at codon 65 of the NEFL protein (p.Met65Arg). This variant is not present in population databases (gnomAD no frequency). This variant has not been reported in the literature in individuals affected with NEFL-related conditions. Advanced modeling of protein sequence and biophysical properties (such as structural, functional, and spatial information, amino acid conservation, physicochemical variation, residue mobility, and thermodynamic stability) performed at Invitae indicates that this missense variant is not expected to disrupt NEFL protein function. In summary, the available evidence is currently insufficient to determine the role of this variant in disease. Therefore, it has been classified as a Variant of Uncertain Significance.